The following is an entry in ClinVar:

ClinVar aggregate classification (germline): Benign/Likely benign. Review status: criteria provided, multiple submitters, no conflicts (2 of 4 stars). 9 submissions from 9 submitters: Benign (8); Likely benign (1). Last evaluated 2026-02-04.

Conditions:
Hermansky-Pudlak syndrome 4 (HPS4). Identifiers: Orphanet 231500, Orphanet 79430, MedGen C3484357, MONDO:0013556, OMIM 614073.

Allele frequency attached by ClinVar (database versions not stated): 1000 Genomes Project 30x 0.79201; 1000 Genomes Project 0.79313; TOPMed 0.79574; gnomAD 0.81665 and 0.82022; ESP Exome Variant Server 0.82047.
gnomAD v4.1: 1,406,330 of 1,614,046 alleles (87%); highest among the groups gnomAD compares: South Asian, 90%; 616,199 homozygotes.

Submissions (9):

Labcorp Genetics (formerly Invitae), Labcorp
Classification: Benign. Last evaluated: 2026-02-04. Review status: criteria provided, single submitter. Criteria: Invitae Variant Classification Sherloc (09022015). Collection method: clinical testing. Allele origin: germline.

Women's Health and Genetics/Laboratory Corporation of America, LabCorp
Classification: Benign. Last evaluated: 2025-02-09. Review status: criteria provided, single submitter. Criteria: LabCorp Variant Classification Summary - May 2015. Collection method: clinical testing. Allele origin: germline.

Blueprint Genetics
Classification: Likely benign. Last evaluated: 2024-11-28. Review status: criteria provided, single submitter. Criteria: ACMG Guidelines, 2015. Collection method: clinical testing. Allele origin: germline.

Mayo Clinic Laboratories, Mayo Clinic
Classification: Benign. Last evaluated: 2022-09-29. Review status: criteria provided, single submitter. Criteria: ACMG Guidelines, 2015. Collection method: clinical testing. Allele origin: germline. Observed: 573 variant alleles.

Genome-Nilou Lab
Classification: Benign for Hermansky-Pudlak syndrome 4. Last evaluated: 2021-08-10. Review status: criteria provided, single submitter. Criteria: ACMG Guidelines, 2015. Collection method: clinical testing. Allele origin: germline. Affected: no.

GeneDx
Classification: Benign. Last evaluated: 2018-11-12. Review status: criteria provided, single submitter. Criteria: GeneDx Variant Classification Process June 2021. Collection method: clinical testing. Allele origin: germline. Affected: yes.

Laboratory for Molecular Medicine, Mass General Brigham Personalized Medicine
Classification: Benign. Last evaluated: 2013-02-21. Review status: criteria provided, single submitter. Criteria: LMM Criteria. Collection method: clinical testing. Allele origin: germline. Observed: 79 variant alleles.
Comment: Val552Met in exon 11 of HPS4: This variant is not expected to have clinical sign ificance because it has been identified in 31.2% (1373/4406) of African American chromosomes from a broad population by the NHLBI Exome Sequencing Project (dbSNP rs5752330).

Breakthrough Genomics
Classification: Benign. Review status: criteria provided, single submitter. Criteria: ACMG Guidelines, 2015. Collection method: not provided. Allele origin: germline. Inheritance: Autosomal recessive inheritance. Affected: yes.

PreventionGenetics, part of Exact Sciences
Classification: Benign. Review status: criteria provided, single submitter. Criteria: ACMG Guidelines, 2015. Collection method: clinical testing. Allele origin: germline.

NM_022081.6(HPS4):c.1654G>A (p.Val552Met)

Gene: HPS4 (HPS4 biogenesis of lysosomal organelles complex 3 subunit 2; minus strand). Cytogenetic location: 22q12.1.
Variant type: single nucleotide variant.
Coding change: c.1654G>A on transcript NM_022081.6 (MANE Select); coding-DNA position 1654, G replaced by A.
Protein change: p.Val552Met; replaces valine 552 with methionine.
Molecular consequence: missense variant. On other transcripts: non-coding transcript variant (8).
Genome position (GRCh38, 1-based): chr22:26,463,976, C>T on the plus strand (G>A on the coding strand, the complement: HPS4 is on the minus strand). VCF-style: chr22-26463976-C-T. GRCh37 (hg19) VCF-style: chr22-26859942-C-T.
Other names: c.1654G>A, p.Val552Met (NM_001349903.2, NM_001349904.2, NM_001349905.1 and 4 more transcripts); c.1639G>A, p.Val547Met (NM_152841.2); c.1708G>A, p.Val570Met (NM_001349900.2, NM_001349901.1); short protein forms V552M, V547M, V570M.
Identifiers: ClinVar variation 163672 (VCV000163672.23), dbSNP rs5752330, ClinGen allele CA176308.